The following is an entry in ClinVar:

ClinVar aggregate classification (germline): Uncertain significance. Review status: criteria provided, multiple submitters, no conflicts (2 of 4 stars). 2 submissions from 2 submitters: Uncertain significance (2). Last evaluated 2025-11-18.

Conditions:
Hereditary cancer-predisposing syndrome. Also called: Hereditary Cancer Syndrome; Neoplastic Syndromes, Hereditary; Tumor predisposition; Hereditary neoplastic syndrome. Identifiers: Orphanet 140162, MedGen C0027672, MeSH D009386, MONDO:0015356.
Familial adenomatous polyposis 1 (FAP1). Also called: POLYPOSIS, ADENOMATOUS INTESTINAL; FAMILIAL ADENOMATOUS POLYPOSIS 1, ATTENUATED. Identifiers: MedGen C2713442, MONDO:0021056, OMIM 175100. Disease mechanism: loss of function.

Submissions (2):

Labcorp Genetics (formerly Invitae), Labcorp
Classification: Uncertain significance for Familial adenomatous polyposis 1. Last evaluated: 2025-11-18. Review status: criteria provided, single submitter. Criteria: Invitae Variant Classification Sherloc (09022015). Collection method: clinical testing. Allele origin: germline.
Comment: This sequence change replaces serine, which is neutral and polar, with leucine, which is neutral and non-polar, at codon 1806 of the APC protein (p.Ser1806Leu). This variant is not present in population databases (gnomAD no frequency). This variant has not been reported in the literature in individuals affected with APC-related conditions. ClinVar contains an entry for this variant (Variation ID: 489469). Invitae Evidence Modeling of protein sequence and biophysical properties (such as structural, functional, and spatial information, amino acid conservation, physicochemical variation, residue mobility, and thermodynamic stability) indicates that this missense variant is not expected to disrupt APC protein function with a negative predictive value of 95%. In summary, the available evidence is currently insufficient to determine the role of this variant in disease. Therefore, it has been classified as a Variant of Uncertain Significance.

Color Diagnostics, LLC DBA Color Health
Classification: Uncertain significance for Hereditary cancer-predisposing syndrome. Last evaluated: 2023-12-05. Review status: criteria provided, single submitter. Criteria: ACMG Guidelines, 2015. Collection method: clinical testing. Allele origin: germline.
Comment: This missense variant replaces serine with leucine at codon 1806 of the APC protein. Computational prediction suggests that this variant may not impact protein structure and function (internally defined REVEL score threshold <= 0.5, PMID: 27666373). To our knowledge, functional studies have not been reported for this variant. This variant has not been reported in individuals affected with APC-related disorders in the literature. This variant has not been identified in the general population by the Genome Aggregation Database (gnomAD). The available evidence is insufficient to determine the role of this variant in disease conclusively. Therefore, this variant is classified as a Variant of Uncertain Significance.

NM_000038.6(APC):c.5417C>T (p.Ser1806Leu)

Gene: APC (APC regulator of Wnt signaling pathway; plus strand). Cytogenetic location: 5q22.2.
Variant type: single nucleotide variant.
Coding change: c.5417C>T on transcript NM_000038.6 (MANE Select); coding-DNA position 5417, C replaced by T.
Protein change: p.Ser1806Leu; replaces serine 1806 with leucine.
Molecular consequence: missense variant.
Genome position (GRCh38, 1-based): chr5:112,841,011, C>T. VCF-style: chr5-112841011-C-T. GRCh37 (hg19) VCF-style: chr5-112176708-C-T.
Other names: c.5417C>T, p.Ser1806Leu (NM_001127510.3, NM_001354895.2); c.5363C>T, p.Ser1788Leu (NM_001127511.3); c.5471C>T, p.Ser1824Leu (NM_001354896.2); c.5447C>T, p.Ser1816Leu (NM_001354897.2); c.5342C>T, p.Ser1781Leu (NM_001354898.2); c.5333C>T, p.Ser1778Leu (NM_001354899.2); c.5294C>T, p.Ser1765Leu (NM_001354900.2); c.5240C>T, p.Ser1747Leu (NM_001354901.2); and 5 more; short protein forms S1788L, S1806L, S1778L, S1781L, S1646L, S1680L, S1705L, S1715L.
Identifiers: ClinVar variation 489469 (VCV000489469.16), dbSNP rs1554086711, ClinGen allele CA16033175.